The following is an entry in ClinVar:

NM_000135.4(FANCA):c.523-1del

Gene: FANCA (FA complementation group A; minus strand). Cytogenetic location: 16q24.3.
Variant type: Deletion.
Coding change: c.523-1del on transcript NM_000135.4 (MANE Select); the canonical splice acceptor site of the intron before coding-DNA position 523, one base deleted (G; older notation c.523-1delG).
Molecular consequence: splice acceptor variant.
Genome position (GRCh38, 1-based): chr16:89,808,368, C deleted on the plus strand (G on the coding strand, the reverse complement: FANCA is on the minus strand). VCF-style (leftmost placement, unchanged base first): chr16-89808367-TC-T. GRCh37 (hg19) VCF-style: chr16-89874775-TC-T.
Other names: c.427-1del (NM_001351830.2); c.523-1del (NM_001018112.3, NM_001286167.3).
Identifiers: ClinVar variation 3241539 (VCV003241539.2), dbSNP rs2544348378.
Genomic context (GRCh38, chr16:89,808,367, plus strand): 5'-CTTGCAGGCTCACAATGCCTTGTACGTGAAGATGCCACACCGCTTCAAGCAACAAAGAAC[TC>T]TGAAAAACAAAACAAAACAAACAAAAACAAAAACAAAAAAACCCCCAGCATTCTGAGTCC-3'

ClinVar aggregate classification (germline): Likely pathogenic. Review status: criteria provided, multiple submitters, no conflicts (2 of 4 stars). 2 submissions from 2 submitters: Likely pathogenic (2). Last evaluated 2026-06-17.

Conditions:
Fanconi anemia complementation group A (FANCA). Also called: Fanconi anemia, group A; FANCA-Related Fanconi Anemia. Identifiers: Orphanet 84, MedGen C3469521, MONDO:0009215, OMIM 227650.

Submissions (2):

Myriad Genetics, Inc.
Classification: Likely pathogenic for Fanconi anemia complementation group A. Last evaluated: 2026-06-17. Review status: criteria provided, single submitter. Criteria: Myriad Autosomal Dominant, Autosomal Recessive and X-Linked Classification Criteria (2023). Collection method: clinical testing. Allele origin: unknown.
Comment: NM_000135.2(FANCA):c.523-1delG is a variant in a canonical splice site classified as likely pathogenic in the context of Fanconi anemia complementation group A. c.523-1delG has not been observed in cases with relevant disease. Relevant functional assessments of this variant are not available in the literature. c.523-1delG has not been observed in referenced population frequency databases. In summary, NM_000135.2(FANCA):c.523-1delG is a variant in a canonical splice site in a gene where loss of function is a known mechanism of disease and is predicted to disrupt protein function. Please note: this variant was assessed in the context of healthy population screening.

Baylor Genetics
Classification: Likely pathogenic for Fanconi anemia complementation group A. Last evaluated: 2024-02-22. Review status: criteria provided, single submitter. Criteria: ACMG Guidelines, 2015. Collection method: clinical testing. Allele origin: unknown.